The following is an entry in ClinVar:

ClinVar aggregate classification (germline): Uncertain significance. Review status: criteria provided, multiple submitters, no conflicts (2 of 4 stars). 3 submissions from 3 submitters: Uncertain significance (3). Last evaluated 2022-05-04.

Conditions:
Progressive myoclonic epilepsy. Also called: Familial progressive myoclonic epilepsy; Myoclonus epilepsy; Progressive myoclonus epilepsy; Myoclonic Epilepsies, Progressive. Identifiers: Orphanet 308, Orphanet 98261, MedGen C0751778, MONDO:0020074.
Action myoclonus-renal failure syndrome. Also called: MYOCLONUS-NEPHROPATHY SYNDROME; SCARB2-Related Action Myoclonus-Renal Failure Syndrome; EPILEPSY, PROGRESSIVE MYOCLONIC, 4, WITH RENAL FAILURE; EPILEPSY, PROGRESSIVE MYOCLONIC, 4, WITHOUT RENAL FAILURE. Identifiers: Orphanet 163696, MedGen C0751779, MeSH D020191, MONDO:0009699, OMIM 254900.
Inborn genetic diseases. Identifiers: MedGen C0950123, MeSH D030342.

Allele frequency attached by ClinVar (database versions not stated): gnomAD 0.00001; gnomAD exomes 0.00001 and 0.00002; TOPMed 0.00001; ExAC 0.00002.
gnomAD v4.1: 6 of 1,614,028 alleles (0.00037%); highest among the groups gnomAD compares: Admixed American, 0.01%; no homozygotes.

Submissions (3):

Fulgent Genetics
Classification: Uncertain significance for Action myoclonus-renal failure syndrome. Last evaluated: 2022-05-04. Review status: criteria provided, single submitter. Criteria: ACMG Guidelines, 2015. Collection method: clinical testing. Allele origin: unknown.

Labcorp Genetics (formerly Invitae), Labcorp
Classification: Uncertain significance for Progressive myoclonic epilepsy. Last evaluated: 2021-08-30. Review status: criteria provided, single submitter. Criteria: Invitae Variant Classification Sherloc (09022015). Collection method: clinical testing. Allele origin: germline.
Comment: This sequence change replaces glycine with glutamic acid at codon 289 of the SCARB2 protein (p.Gly289Glu). The glycine residue is highly conserved and there is a moderate physicochemical difference between glycine and glutamic acid. This variant is present in population databases (rs777478545, ExAC 0.02%). This variant has not been reported in the literature in individuals affected with SCARB2-related conditions. Algorithms developed to predict the effect of missense changes on protein structure and function are either unavailable or do not agree on the potential impact of this missense change (SIFT: "Deleterious"; PolyPhen-2: "Possibly Damaging"; Align-GVGD: "Class C0"). In summary, the available evidence is currently insufficient to determine the role of this variant in disease. Therefore, it has been classified as a Variant of Uncertain Significance.

Ambry Genetics
Classification: Uncertain significance for Inborn genetic diseases. Last evaluated: 2017-12-18. Review status: criteria provided, single submitter. Criteria: Ambry Variant Classification Scheme 2023. Collection method: clinical testing. Allele origin: germline.
Comment: The p.G289E variant (also known as c.866G>A), located in coding exon 7 of the SCARB2 gene, results from a G to A substitution at nucleotide position 866. The glycine at codon 289 is replaced by glutamic acid, an amino acid with similar properties. This amino acid position is well conserved in available vertebrate species. In addition, the in silico prediction for this alteration is inconclusive. Since supporting evidence is limited at this time, the clinical significance of this alteration remains unclear.

NM_005506.4(SCARB2):c.866G>A (p.Gly289Glu)

Gene: SCARB2 (scavenger receptor class B member 2; minus strand). Cytogenetic location: 4q21.1.
Variant type: single nucleotide variant.
Coding change: c.866G>A on transcript NM_005506.4 (MANE Select); coding-DNA position 866, G replaced by A.
Protein change: p.Gly289Glu; replaces glycine 289 with glutamic acid.
Molecular consequence: missense variant.
Genome position (GRCh38, 1-based): chr4:76,174,272, C>T on the plus strand (G>A on the coding strand, the complement: SCARB2 is on the minus strand). VCF-style: chr4-76174272-C-T. GRCh37 (hg19) VCF-style: chr4-77095425-C-T.
Other names: c.437G>A, p.Gly146Glu (NM_001204255.2); short protein forms G146E, G289E.
Identifiers: ClinVar variation 1057189 (VCV001057189.9), dbSNP rs777478545, ClinGen allele CA2970235.
Genomic context (GRCh38, chr4:76,174,272, plus strand): 5'-GCATTGTCTGACGTATTGGCTAATATTTCTGCAGGAACTTTATACCGAAAGGCAGGCAGT[C>T]CCTGTACACTCTCATAGTCACTGAAAGTAATATACACTGACCTGTTAGGATGTAAGAATA-3'
Protein context (NP_005497.1, residues 279-299): ITFSDYESVQ[Gly289Glu]LPAFRYKVPA